The following is an entry in ClinVar:

NM_016188.5(ACTL6B):c.1111C>G (p.Pro371Ala)

Gene: ACTL6B (actin like 6B; minus strand). Cytogenetic location: 7q22.1.
Variant type: single nucleotide variant.
Coding change: c.1111C>G on transcript NM_016188.5 (MANE Select); coding-DNA position 1111, C replaced by G.
Protein change: p.Pro371Ala; replaces proline 371 with alanine.
Molecular consequence: missense variant. On other transcripts: non-coding transcript variant (1).
Genome position (GRCh38, 1-based): chr7:100,646,553, G>C on the plus strand (C>G on the coding strand, the complement: ACTL6B is on the minus strand). VCF-style: chr7-100646553-G-C. GRCh37 (hg19) VCF-style: chr7-100244176-G-C.
Other names: short protein forms P371A.
Identifiers: ClinVar variation 2429721 (VCV002429721.2), dbSNP rs1803825502, ClinGen allele CA368542083.
Genomic context (GRCh38, chr7:100,646,553, plus strand): 5'-CCTGGACAGCTGAGCCAGGACGGGTGTCCAGGGCTCTGGGTCAGGGGTGGGCTCCTACCG[G>C]TGGGGTCTTCTGGGAAAGCTCTCGATTGAGCCTGTCAGTGAAGCCCTGCAGCAGTGTGTT-3'
Protein context (NP_057272.1, residues 361-381): LNRELSQKTP[Pro371Ala]SMRLKLIASN

ClinVar aggregate classification (germline): Likely pathogenic (1 of 4 stars; one submission).

Allele frequency attached by ClinVar (database versions not stated): TOPMed 0.00001.

Submission:

GeneDx
Classification: Likely pathogenic. Last evaluated: 2025-06-27. Review status: criteria provided, single submitter. Criteria: GeneDx Variant Classification Process June 2021. Collection method: clinical testing. Allele origin: germline. Affected: yes.
Comment: Not observed at significant frequency in large population cohorts (gnomAD); In silico analysis supports that this missense variant has a deleterious effect on protein structure/function; Has not been previously published as pathogenic or benign to our knowledge